The following is an entry in ClinVar:

ClinVar aggregate classification (germline): Conflicting classifications of pathogenicity. Review status: criteria provided, conflicting classifications (1 of 4 stars). 2 submissions from 2 submitters: Uncertain significance (1); Likely benign (1). Last evaluated 2025-06-18.

Allele frequency attached by ClinVar (database versions not stated): gnomAD exomes 0.00001; ExAC 0.00005.
gnomAD v4.1: 25 of 1,588,620 alleles (0.0016%); highest among the groups gnomAD compares: Middle Eastern, 0.018%; no homozygotes.

Submissions (2):

Ambry Genetics
Classification: Uncertain significance. Last evaluated: 2025-06-18. Review status: criteria provided, single submitter. Criteria: Ambry Variant Classification Scheme 2023. Collection method: clinical testing. Allele origin: germline.

CeGaT Center for Human Genetics Tuebingen
Classification: Likely benign. Last evaluated: 2022-03-01. Review status: criteria provided, single submitter. Criteria: CeGaT Center For Human Genetics Tuebingen Variant Classification Criteria Version 2. Collection method: clinical testing. Allele origin: germline. Affected: yes. Observed: 1 variant allele.
Comment: COL20A1: BP4

NM_020882.4(COL20A1):c.1510T>G (p.Ser504Ala)

Gene: COL20A1 (collagen type XX alpha 1 chain; plus strand). Cytogenetic location: 20q13.33.
Variant type: single nucleotide variant.
Coding change: c.1510T>G on transcript NM_020882.4 (MANE Select); coding-DNA position 1510, T replaced by G.
Protein change: p.Ser504Ala; replaces serine 504 with alanine.
Molecular consequence: missense variant.
Genome position (GRCh38, 1-based): chr20:63,311,510, T>G. VCF-style: chr20-63311510-T-G. GRCh37 (hg19) VCF-style: chr20-61942862-T-G.
Other names: c.1510T>G (NM_020882.2); short protein forms S504A.
Identifiers: ClinVar variation 2652524 (VCV002652524.25), dbSNP rs775758509, ClinGen allele CA9956102.
Genomic context (GRCh38, chr20:63,311,510, plus strand): 5'-CACCTCACCTGGCAGCCCTCGGCCGGGGCCACCCACTACCTGGTGCGATGTTCTCCTGCT[T>G]CCCCCAAGGGTGAAGAGGAGGAGCGAGAGGTGAGCTGGGCCGGGGGGTGGCGGGGGAGGC-3'
Protein context (NP_065933.2, residues 494-514): THYLVRCSPA[Ser504Ala]PKGEEEEREV